The following is an entry in ClinVar:

NM_003322.6(TULP1):c.499+1G>C

Gene: TULP1 (TUB like protein 1; minus strand). Cytogenetic location: 6p21.31.
Variant type: single nucleotide variant.
Coding change: c.499+1G>C on transcript NM_003322.6 (MANE Select); the canonical splice donor site of the intron after coding-DNA position 499, G replaced by C.
Molecular consequence: splice donor variant.
Genome position (GRCh38, 1-based): chr6:35,510,860, C>G on the plus strand (G>C on the coding strand, the complement: TULP1 is on the minus strand). VCF-style: chr6-35510860-C-G. GRCh37 (hg19) VCF-style: chr6-35478637-C-G.
Other names: c.340+1G>C (NM_001289395.2).
Identifiers: ClinVar variation 4998067 (VCV004998067.1).
Genomic context (GRCh38, chr6:35,510,860, plus strand): 5'-CCCTCCAAGGACAGGGCTGTTCTGCTTCCCTGTGAGCTCTCTCAGCACCCTCAGCACCCA[C>G]CCCTTGGGCCCTGGGCCTTGGCCCTCCTCTCCTTCAGGTCTGCGGAGCTCTTCTCTCTCA-3'

ClinVar aggregate classification (germline): Likely pathogenic (1 of 4 stars; one submission).

Conditions:
TULP1-related disorder. Also called: TULP1-related disorders; TULP1-related condition.

Submission:

PreventionGenetics, part of Exact Sciences
Classification: Likely pathogenic for TULP1-related condition. Last evaluated: 2025-08-04. Review status: criteria provided, single submitter. Criteria: ACMG Guidelines, 2015. Collection method: clinical testing. Allele origin: germline.
Comment: The TULP1 c.499+1G>C variant is predicted to disrupt the GT donor site and interfere with normal splicing. To our knowledge, this variant has not been reported in the literature. This variant is absent in a large population database (gnomAD), indicating this variant is rare. Variants that disrupt the consensus splice donor site in TULP1 are an established mechanism of disease. This variant is interpreted as likely pathogenic.